The following is an entry in ClinVar:

ClinVar aggregate classification (germline): Uncertain significance (1 of 4 stars; one submission).

Submission:

Labcorp Genetics (formerly Invitae), Labcorp
Classification: Uncertain significance. Last evaluated: 2022-06-15. Review status: criteria provided, single submitter. Criteria: Invitae Variant Classification Sherloc (09022015). Collection method: clinical testing. Allele origin: germline.
Comment: This variant has not been reported in the literature in individuals affected with OPN1SW-related conditions. Algorithms developed to predict the effect of missense changes on protein structure and function (SIFT, PolyPhen-2, Align-GVGD) all suggest that this variant is likely to be disruptive. In summary, the available evidence is currently insufficient to determine the role of this variant in disease. Therefore, it has been classified as a Variant of Uncertain Significance. This sequence change replaces leucine, which is neutral and non-polar, with serine, which is neutral and polar, at codon 65 of the OPN1SW protein (p.Leu65Ser). This variant is not present in population databases (gnomAD no frequency).

NM_001385125.1(OPN1SW):c.185T>C (p.Leu62Ser)

Gene: OPN1SW (opsin 1, short wave sensitive; minus strand). Cytogenetic location: 7q32.1.
Variant type: single nucleotide variant.
Coding change: c.185T>C on transcript NM_001385125.1 (MANE Select); coding-DNA position 185, T replaced by C.
Protein change: p.Leu62Ser; replaces leucine 62 with serine.
Molecular consequence: missense variant.
Genome position (GRCh38, 1-based): chr7:128,775,597, A>G on the plus strand (T>C on the coding strand, the complement: OPN1SW is on the minus strand). VCF-style: chr7-128775597-A-G. GRCh37 (hg19) VCF-style: chr7-128415651-A-G.
Other names: short protein forms L62S.
Identifiers: ClinVar variation 2134131 (VCV002134131.4), dbSNP rs2536293332, ClinGen allele CA369222278.
Genomic context (GRCh38, chr7:128,775,597, plus strand): 5'-ATGCAGAGGAGGAAGCCTCCGAAGGACACGTTGACCAGAATGTAGTTGAGGGGCTGCCGC[A>G]ACTTTTTGTAGCGCAGTGTGGCCACCAGCACCATGGCATTGAGTGGGAACCCTATAAGGA-3'
Protein context (NP_001372054.1, residues 52-72): VLVATLRYKK[Leu62Ser]RQPLNYILVN